The following is an entry in ClinVar:

ClinVar aggregate classification (germline): Uncertain significance (1 of 4 stars; one submission).

Conditions:
Myofibrillar myopathy 5. Also called: Filaminopathy (type); FILAMINOPATHY, AUTOSOMAL DOMINANT. Identifiers: Orphanet 171445, MedGen C1836050, MONDO:0012289, OMIM 609524.
Distal myopathy with posterior leg and anterior hand involvement. Also called: WILLIAMS DISTAL MYOPATHY. Identifiers: Orphanet 63273, MedGen C3279722, MONDO:0013550, OMIM 614065.
Hypertrophic cardiomyopathy 26. Also called: Cardiomyopathy, familial hypertrophic, 26. Identifiers: Orphanet 75249, MedGen C4310749, MONDO:0014883, OMIM 617047.

gnomAD v4.1: 1 of 1,613,866 alleles (0.000062%); no homozygotes.

Submission:

Labcorp Genetics (formerly Invitae), Labcorp
Classification: Uncertain significance for Distal myopathy with posterior leg and anterior hand involvement; Myofibrillar myopathy 5; Hypertrophic cardiomyopathy 26. Last evaluated: 2022-06-20. Review status: criteria provided, single submitter. Criteria: Invitae Variant Classification Sherloc (09022015). Collection method: clinical testing. Allele origin: germline.
Comment: This sequence change replaces leucine, which is neutral and non-polar, with phenylalanine, which is neutral and non-polar, at codon 2404 of the FLNC protein (p.Leu2404Phe). This variant is present in population databases (no rsID available, gnomAD no frequency). This variant has not been reported in the literature in individuals affected with FLNC-related conditions. ClinVar contains an entry for this variant (Variation ID: 1062382). Algorithms developed to predict the effect of missense changes on protein structure and function (SIFT, PolyPhen-2, Align-GVGD) all suggest that this variant is likely to be tolerated. In summary, the available evidence is currently insufficient to determine the role of this variant in disease. Therefore, it has been classified as a Variant of Uncertain Significance.

NM_001458.5(FLNC):c.7210C>T (p.Leu2404Phe)

Genes: FLNC-AS1 (FLNC antisense RNA 1; minus strand), FLNC (filamin C; plus strand). Cytogenetic location: 7q32.1.
Variant type: single nucleotide variant.
Coding change: c.7210C>T on transcript NM_001458.5 (MANE Select); coding-DNA position 7210, C replaced by T.
Protein change: p.Leu2404Phe; replaces leucine 2404 with phenylalanine.
Molecular consequence: missense variant.
Genome position (GRCh38, 1-based): chr7:128,855,273, C>T. VCF-style: chr7-128855273-C-T. GRCh37 (hg19) VCF-style: chr7-128495327-C-T.
Other names: c.7111C>T, p.Leu2371Phe (NM_001127487.2); short protein forms L2371F, L2404F.
Identifiers: ClinVar variation 1062382 (VCV001062382.9), dbSNP rs764034824, ClinGen allele CA369215879.